The following is an entry in ClinVar:

NM_001323289.2(CDKL5):c.656A>C (p.Gln219Pro)

Gene: CDKL5 (cyclin dependent kinase like 5; plus strand). Cytogenetic location: Xp22.13.
Variant type: single nucleotide variant.
Coding change: c.656A>C on transcript NM_001323289.2 (MANE Select); coding-DNA position 656, A replaced by C.
Protein change: p.Gln219Pro; replaces glutamine 219 with proline.
Molecular consequence: missense variant.
Genome position (GRCh38, 1-based): chrX:18,588,055, A>C. VCF-style: chrX-18588055-A-C. GRCh37 (hg19) VCF-style: chrX-18606175-A-C.
Other names: NM_001323289.2(CDKL5):c.656A>C; p.Gln219Pro; c.656A>C, p.Gln219Pro (NM_001037343.2, NM_003159.3); short protein forms Q219P.
Identifiers: ClinVar variation 189549 (VCV000189549.6), dbSNP rs786204963, ClinGen allele CA199370.

ClinVar aggregate classification (germline): Likely pathogenic. Review status: reviewed by expert panel (3 of 4 stars). 4 submissions from 4 submitters: Likely pathogenic (1). 3 of the submissions do not count toward it. Last evaluated 2025-08-27.

Conditions:
CDKL5 disorder. Identifiers: MedGen CN296942, MONDO:0100039.
Inborn genetic diseases. Identifiers: MedGen C0950123, MeSH D030342.
Atypical Rett syndrome. Also called: Rett like syndrome; Variant Rett Syndrome. Identifiers: Orphanet 3095, MedGen C2748910, MONDO:0017746.

Submissions (4):

ClinGen Rett and Angelman-like Disorders Variant Curation Expert Panel
Classification: Likely pathogenic for CDKL5 disorder. Last evaluated: 2025-08-27. Review status: reviewed by expert panel. Criteria: ClinGen RettAS ACMG Specifications CDKL5 V5.0.0. Collection method: curation. Allele origin: germline. Inheritance: X-linked inheritance.
Comment: The p.Gln219Pro variant has been observed in at least 2 individuals with CDKL5 disorder (PMID 23151060, internal database - Ambry) (PS4_Supporting). The p.Gln219Pro variant in CDKL5 has been reported as a de novo occurrence (biological parentage confirmed) in an individual with CDKL5 disorder (internal database - Ambry) (PS2). The p.Gln219Pro variant in CDKL5 is present in an individual with a clinical phenotype suggestive of CDKL5 disorder (internal database - Ambry) (PP4). The p.Gln219Pro variant in CDKL5 is absent from gnomAD v4.1 (PM2_Supporting). In vitro kinase assay has shown that this variant impacts protein function (PMID: 32034940) (PS3_supporting). Computational prediction analysis tools suggests a deleterious impact; however, this information does not predict clinical significance on its own (PP3). In summary, the p.Gln219Pro variant in CDKL5 is classified as likely pathogenic for CDKL5 disorder based on the ACMG/AMP criteria (PS4_Supporting, PS2, PP4, PM2_Supporting, PS3_Supporting, PP3). (CDKL5 Specifications v.5.0.0; curation approved on 8/27/2025)

Centre for Population Genomics, CPG
Classification: Uncertain significance for CDKL5 disorder. Last evaluated: 2024-09-06. Review status: criteria provided, single submitter. Criteria: McKnight et al. (Hum Mutat. 2022). Collection method: curation. Allele origin: germline. Inheritance: X-linked inheritance. Not counted in ClinVar's aggregate classification.
Comment: This variant has been collected from RettBASE and curated to current modified ACMG/AMP criteria. Based on the classification scheme defined by the ClinGen Rett/Angelman-like Expert Panel for Rett/AS-like Disorders Specifications to the ACMG/AMP Variant Interpretation Guidelines VCEP 3.0, this variant is classified as variant of uncertain significance. At least the following criteria are met: At least one individual with this variant has been reported with a clinical phenotype consistent with CDKL5- related condition (PP4, PMID: 23151060). This variant is absent from gnomAD (PM2_Supporting).

Ambry Genetics
Classification: Likely pathogenic for Inborn genetic diseases. Last evaluated: 2016-12-09. Review status: criteria provided, single submitter. Criteria: Ambry exome assertion method (8-5-2015). Collection method: clinical testing. Allele origin: germline. Affected: yes. Observed: 1 variant allele. Not counted in ClinVar's aggregate classification.

RettBASE
Classification: Likely pathogenic for Atypical Rett syndrome. Last evaluated: 2014-03-13. Review status: no assertion criteria provided. Collection method: curation. Allele origin: unknown. Affected: yes. Observed: 1 variant allele. Not counted in ClinVar's aggregate classification.
Comment: Highly conserved residue, In silico prediction: SIFT = deleterious, MutationTaster = disease-causing, PolyPhen2 = probably damaging, AlignGVGD = pathogenic (C65); not in normal population

Literature cited by the submitters: PubMed 23151060 (cited by RettBASE).